The following is an entry in ClinVar:

NM_001277115.2(DNAH11):c.5094+1G>A

Gene: DNAH11 (dynein axonemal heavy chain 11; plus strand). Cytogenetic location: 7p15.3.
Variant type: single nucleotide variant.
Coding change: c.5094+1G>A on transcript NM_001277115.2 (MANE Select); the canonical splice donor site of the intron after coding-DNA position 5094, G replaced by A.
Molecular consequence: splice donor variant.
Genome position (GRCh38, 1-based): chr7:21,655,982, G>A. VCF-style: chr7-21655982-G-A. GRCh37 (hg19) VCF-style: chr7-21695600-G-A.
Identifiers: ClinVar variation 1505310 (VCV001505310.8), dbSNP rs746014324, ClinGen allele CA4180282.

ClinVar aggregate classification (germline): Likely pathogenic (1 of 4 stars; one submission).

Conditions:
Primary ciliary dyskinesia. Also called: Ciliary dyskinesia. Identifiers: Orphanet 244, MedGen C0008780, MONDO:0016575, HP:0012265.

Allele frequency attached by ClinVar (database versions not stated): gnomAD exomes below 0.00001; ExAC 0.00001.
gnomAD v4.1: 1 of 1,588,218 alleles (0.000063%); highest among the groups gnomAD compares: East Asian, 0.0023%; no homozygotes.

Submission:

Labcorp Genetics (formerly Invitae), Labcorp
Classification: Likely pathogenic for Primary ciliary dyskinesia. Last evaluated: 2021-03-06. Review status: criteria provided, single submitter. Criteria: Invitae Variant Classification Sherloc (09022015). Collection method: clinical testing. Allele origin: germline.
Comment: This sequence change affects a donor splice site in intron 29 of the DNAH11 gene. It is expected to disrupt RNA splicing. Variants that disrupt the donor or acceptor splice site typically lead to a loss of protein function (PMID: 16199547), and loss-of-function variants in DNAH11 are known to be pathogenic (PMID: 18022865, 20513915, 22184204). This variant is present in population databases (rs746014324, ExAC 0.01%). This variant has not been reported in the literature in individuals with DNAH11-related conditions. Algorithms developed to predict the effect of sequence changes on RNA splicing suggest that this variant may disrupt the consensus splice site, but this prediction has not been confirmed by published transcriptional studies. In summary, the currently available evidence indicates that the variant is pathogenic, but additional data are needed to prove that conclusively. Therefore, this variant has been classified as Likely Pathogenic.

Literature cited by the submitters: PubMed 16199547; PubMed 18022865; PubMed 20513915; PubMed 22184204.